The following is an entry in ClinVar:

ClinVar aggregate classification (germline): Uncertain significance. Review status: criteria provided, multiple submitters, no conflicts (2 of 4 stars). 3 submissions from 3 submitters: Uncertain significance (3). Last evaluated 2024-12-31.

Conditions:
Inborn genetic diseases. Identifiers: MedGen C0950123, MeSH D030342.

Allele frequency attached by ClinVar (database versions not stated): ExAC 0.00004.
gnomAD v4.1: 20 of 1,608,270 alleles (0.0012%); highest among the groups gnomAD compares: Admixed American, 0.027%; no homozygotes.

Submissions (3):

Ambry Genetics
Classification: Uncertain significance for Inborn genetic diseases. Last evaluated: 2024-12-31. Review status: criteria provided, single submitter. Criteria: Ambry Variant Classification Scheme 2023. Collection method: clinical testing. Allele origin: germline.

Women's Health and Genetics/Laboratory Corporation of America, LabCorp
Classification: Uncertain significance. Last evaluated: 2023-10-17. Review status: criteria provided, single submitter. Criteria: LabCorp Variant Classification Summary - May 2015. Collection method: clinical testing. Allele origin: germline.
Comment: Variant summary: APC2 c.93C>G (p.Asp31Glu) results in a conservative amino acid change located in the Adenomatous polyposis coli, N-terminal dimerisation domain (IPR032038) of the encoded protein sequence. Three of five in-silico tools predict a benign effect of the variant on protein function. The variant allele was found at a frequency of 5e-05 in 238536 control chromosomes. To our knowledge, no occurrence of c.93C>G in individuals affected with APC2-Related Disorders and no experimental evidence demonstrating its impact on protein function have been reported. One submitter has cited clinical-significance assessments for this variant to ClinVar after 2014 and has classified the variant as uncertain significance. Based on the evidence outlined above, the variant was classified as uncertain significance.

Labcorp Genetics (formerly Invitae), Labcorp
Classification: Uncertain significance. Last evaluated: 2022-08-22. Review status: criteria provided, single submitter. Criteria: Invitae Variant Classification Sherloc (09022015). Collection method: clinical testing. Allele origin: germline.
Comment: This sequence change replaces aspartic acid, which is acidic and polar, with glutamic acid, which is acidic and polar, at codon 31 of the APC2 protein (p.Asp31Glu). This variant is present in population databases (rs776679183, gnomAD 0.04%). This variant has not been reported in the literature in individuals affected with APC2-related conditions. Algorithms developed to predict the effect of missense changes on protein structure and function are either unavailable or do not agree on the potential impact of this missense change (SIFT: "Tolerated"; PolyPhen-2: "Probably Damaging"; Align-GVGD: "Class C0"). In summary, the available evidence is currently insufficient to determine the role of this variant in disease. Therefore, it has been classified as a Variant of Uncertain Significance.

NM_005883.3(APC2):c.93C>G (p.Asp31Glu)

Gene: APC2 (APC regulator of WNT signaling pathway 2; plus strand). Cytogenetic location: 19p13.3.
Variant type: single nucleotide variant.
Coding change: c.93C>G on transcript NM_005883.3 (MANE Select); coding-DNA position 93, C replaced by G.
Protein change: p.Asp31Glu; replaces aspartic acid 31 with glutamic acid.
Molecular consequence: missense variant.
Genome position (GRCh38, 1-based): chr19:1,453,094, C>G. VCF-style: chr19-1453094-C-G. GRCh37 (hg19) VCF-style: chr19-1453093-C-G.
Other names: c.93C>G, p.Asp31Glu (NM_001351273.1); c.93C>G (NM_005883.2); short protein forms D31E.
Identifiers: ClinVar variation 2414738 (VCV002414738.5), dbSNP rs776679183, ClinGen allele CA9044591.